The following is an entry in ClinVar:

NM_007294.4(BRCA1):c.2060A>C (p.Gln687Pro)

Gene: BRCA1 (BRCA1 DNA repair associated; minus strand). Cytogenetic location: 17q21.31.
Variant type: single nucleotide variant.
Coding change: c.2060A>C on transcript NM_007294.4 (MANE Select); coding-DNA position 2060, A replaced by C.
Protein change: p.Gln687Pro; replaces glutamine 687 with proline.
Molecular consequence: missense variant. On other transcripts: intron variant (137).
Genome position (GRCh38, 1-based): chr17:43,093,471, T>G on the plus strand (A>C on the coding strand, the complement: BRCA1 is on the minus strand). VCF-style: chr17-43093471-T-G. GRCh37 (hg19) VCF-style: chr17-41245488-T-G.
Other names: p.Gln687Pro; 2179A>C; c.2060A>C, p.Gln687Pro (NM_007300.4, NM_001407581.1, NM_001407582.1 and 30 more transcripts); c.646+1273A>C (NM_001408458.1, NM_001408469.1, NM_001408453.1 and 11 more transcripts); c.283+1273A>C (NM_001408512.1); c.406+1273A>C (NM_001408510.1); c.643+1273A>C (NM_001408470.1, NM_001408464.1, NM_001408468.1 and 3 more transcripts); c.784+1273A>C (NM_001408397.1, NM_001408401.1, NM_001408396.1 and 13 more transcripts); and 42 more; short protein forms Q687P, Q640P, Q560P, Q575P, Q599P, Q619P, Q639P, Q645P.
Identifiers: ClinVar variation 37443 (VCV000037443.42), dbSNP rs28897680, ClinGen allele CA001364.

ClinVar aggregate classification (germline): Conflicting classifications of pathogenicity. Review status: criteria provided, conflicting classifications (1 of 4 stars). 15 submissions from 15 submitters: Uncertain significance (8); Benign (3); Likely benign (2). 2 of the submissions do not count toward it. Last evaluated 2026-08-26.

Conditions:
BRCA1-related cancer predisposition. Identifiers: MedGen CN377757, MONDO:0700268.
Breast-ovarian cancer, familial, susceptibility to, 1 (BROVCA1). Also called: OVARIAN CANCER, SUSCEPTIBILITY TO; BRCA1 Hereditary Breast and Ovarian Cancer. Identifiers: Orphanet 145, MedGen C2676676, MONDO:0011450, OMIM 604370. Disease mechanism: loss of function.
Pancreatic cancer, susceptibility to, 4. Identifiers: Orphanet 1333, MedGen C3280442, MONDO:0013685, OMIM 614320.
Fanconi anemia, complementation group S (FANCS). Identifiers: MedGen C4554406, MONDO:0054748, OMIM 617883.
Inherited ovarian cancer (without breast cancer).
Inherited breast cancer and ovarian cancer.
Hereditary cancer-predisposing syndrome. Also called: Tumor predisposition; Neoplastic Syndromes, Hereditary; Hereditary Cancer Syndrome; Hereditary neoplastic syndrome. Identifiers: Orphanet 140162, MedGen C0027672, MeSH D009386, MONDO:0015356.
Hereditary breast ovarian cancer syndrome. Also called: Hereditary breast and ovarian cancer syndrome (HBOC); Hereditary breast and ovarian cancer syndrome; Hereditary breast and ovarian cancer; Hereditary breast and/or ovarian cancer syndrome; Breast and ovarian cancer; BRCA1- and BRCA2-Associated Hereditary Breast and Ovarian Cancer. Identifiers: Orphanet 145, MedGen C0677776, MeSH D061325, MONDO:0003582. Disease mechanism: loss of function.

Allele frequency attached by ClinVar (database versions not stated): ExAC 0.00001; gnomAD 0.00002; TOPMed 0.00002; gnomAD exomes 0.00005 and below 0.00001; 1000 Genomes Project 0.00020; 1000 Genomes Project 30x 0.00031.
gnomAD v4.1: 82 of 1,614,138 alleles (0.0051%); highest among the groups gnomAD compares: Non-Finnish European, 0.0066%; no homozygotes.

Submissions 1 to 7 of 15:

Genomics and Molecular Medicine Service, East Genomic Laboratory Hub, NHS Genomic Medicine Service
Classification: Benign for Inherited ovarian cancer (without breast cancer). Last evaluated: 2026-08-26. Review status: criteria provided, single submitter. Criteria: ACGS Best Practice Guidelines for Variant Classification in Rare Disease 2020. Collection method: clinical testing. Allele origin: germline. Affected: yes.
Comment: BP1_Strong,BP5_Very Strong

Cambridge Genomics Laboratory, East Genomic Laboratory Hub, NHS Genomic Medicine Service
Classification: Benign for Inherited breast cancer and ovarian cancer. Last evaluated: 2026-02-16. Review status: criteria provided, single submitter. Criteria: ACGS Best Practice Guidelines for Variant Classification in Rare Disease 2020. Collection method: clinical testing. Allele origin: germline. Affected: yes.
Comment: the same text as in the submission from Genomics and Molecular Medicine Service, East Genomic Laboratory Hub, NHS Genomic Medicine Service above.

Labcorp Genetics (formerly Invitae), Labcorp
Classification: Likely benign for Hereditary breast ovarian cancer syndrome. Last evaluated: 2025-12-29. Review status: criteria provided, single submitter. Criteria: Invitae Variant Classification Sherloc (09022015). Collection method: clinical testing. Allele origin: germline.

Ambry Genetics
Classification: Uncertain significance for Hereditary cancer-predisposing syndrome. Last evaluated: 2025-01-02. Review status: criteria provided, single submitter. Criteria: Ambry Variant Classification Scheme 2023. Collection method: clinical testing. Allele origin: germline.
Comment: The p.Q687P variant (also known as c.2060A>C), located in coding exon 9 of the BRCA1 gene, results from an A to C substitution at nucleotide position 2060. The glutamine at codon 687 is replaced by proline, an amino acid with similar properties. This amino acid position is not well conserved in available vertebrate species. In addition, the in silico prediction for this alteration is inconclusive. Based on the available evidence, the clinical significance of this variant remains unclear.

Women's Health and Genetics/Laboratory Corporation of America, LabCorp
Classification: Uncertain significance. Last evaluated: 2024-12-02. Review status: criteria provided, single submitter. Criteria: LabCorp Variant Classification Summary - May 2015. Collection method: clinical testing. Allele origin: germline.
Comment: Variant summary: BRCA1 c.2060A>C (p.Gln687Pro) results in a non-conservative amino acid change in the encoded protein sequence. Four of five in-silico tools predict a damaging effect of the variant on protein function. The variant allele was found at a frequency of 4e-06 in 251304 control chromosomes. The available data on variant occurrences in the general population are insufficient to allow any conclusion about variant significance. c.2060A>C has been reported in the literature as a VUS in a setting of BRCA1/2 gene panel testing at least one case of ovarian cancer, however whether the variant was germline or somatic was not determined (e.g. Ellison_2015). This report does not provide unequivocal conclusions about association of the variant with Hereditary Breast And Ovarian Cancer Syndrome. A recent report from the CAGI5 (fifth Critical Assessment of Genome Interpretation) challenge has classified this variant as likely benign in a prediction protocol that includes assessment of the impact of this variant on splicing and protein function using four sets of predictors (Padilla_2019). A companion study, (Cline_2019) was also in agreement with this classification. However, to our knowledge, no experimental evidence demonstrating an impact on protein function has been reported. The following publications have been ascertained in the context of this evaluation (PMID: 16518693, 31294896, 25859162, 20167696, 38110397, 31112341, 15385441, 23704879). ClinVar contains an entry for this variant (Variation ID: 37443). Based on the evidence outlined above, the variant was classified as uncertain significance.

Quest Diagnostics Nichols Institute San Juan Capistrano
Classification: Uncertain significance. Last evaluated: 2024-10-31. Review status: criteria provided, single submitter. Criteria: Quest Diagnostics criteria. Collection method: clinical testing. Allele origin: unknown.
Comment: The BRCA1 c.2060A>C (p.Gln687Pro) variant has been reported in an individual with breast cancer, as well as in a reportedly healthy individual, in a large case-control study (PMID: 33471991 (2021), see also LOVD). This variant has also been identified in individuals with pancreatic cancer (PMID: 35205643 (2022)) and Wilms tumor (PMID: 38110397 (2023)). Additionally, this variant has been described as being likely benign in a multifactorial likelihood study (PMID: 31131967 (2019)), and reported to be located in a region of the BRCA1 gene that is tolerant to missense sequence changes (PMID: 31911673 (2020)). The frequency of this variant in the general population, 0.000023 (3/129072 chromosomes (Genome Aggregation Database)), is uninformative in the assessment of its pathogenicity. Analysis of this variant using bioinformatics tools for the prediction of the effect of amino acid changes on protein structure and function yielded conflicting predictions that this variant is benign or damaging. Based on the available information, we are unable to determine the clinical significance of this variant.

All of Us Research Program, National Institutes of Health
Classification: Uncertain significance for BRCA1-related cancer predisposition. Last evaluated: 2024-08-23. Review status: criteria provided, single submitter. Criteria: ACMG Guidelines, 2015. Collection method: clinical testing. Allele origin: germline. Inheritance: Autosomal dominant inheritance. Observed: 9 variant alleles, 9 heterozygotes.
Comment: This missense variant replaces glutamine with proline at codon 687 of the BRCA1 protein. Computational prediction is inconclusive regarding the impact of this variant on protein structure and function (internally defined REVEL score threshold 0.5 < inconclusive < 0.7, PMID: 27666373). To our knowledge, functional studies have not been reported for this variant. This variant has been detected in a breast cancer case-control meta-analysis in 1/60466 cases and 1/53461 unaffected individuals (PMID: 33471991; Leiden Open Variation Database DB-ID BRCA1_000181). A multifactorial analysis has reported likelihood ratios for pathogenicity based on co-occurrence with a pathogenic variant and family history of 1.0673 and 0.311, respectively (PMID: 31131967). This variant has been identified in 3/282714 chromosomes in the general population by the Genome Aggregation Database (gnomAD). The available evidence is insufficient to determine the role of this variant in disease conclusively. Therefore, this variant is classified as a Variant of Uncertain Significance.

This study involves interpretation of variants in research participants for the purpose of population health screening. Participant phenotype was not available at the time of variant classification. Additional details can be found in publication PMID: 35346344, PMCID: PMC8962531